The following is an entry in ClinVar:

ClinVar aggregate classification (germline): Uncertain significance (1 of 4 stars; one submission).

Conditions:
Epileptic encephalopathy. Identifiers: MedGen C0543888, HP:0200134.

Allele frequency attached by ClinVar (database versions not stated): gnomAD exomes below 0.00001.
gnomAD v4.1: 2 of 1,613,106 alleles (0.00012%); highest among the groups gnomAD compares: Non-Finnish European, 0.00017%; no homozygotes.

Submission:

Labcorp Genetics (formerly Invitae), Labcorp
Classification: Uncertain significance for Epileptic encephalopathy. Last evaluated: 2023-11-17. Review status: criteria provided, single submitter. Criteria: Invitae Variant Classification Sherloc (09022015). Collection method: clinical testing. Allele origin: germline.
Comment: This sequence change replaces alanine, which is neutral and non-polar, with threonine, which is neutral and polar, at codon 2353 of the FASN protein (p.Ala2353Thr). This variant is not present in population databases (gnomAD no frequency). This variant has not been reported in the literature in individuals affected with FASN-related conditions. An algorithm developed to predict the effect of missense changes on protein structure and function (PolyPhen-2) suggests that this variant is likely to be tolerated. In summary, the available evidence is currently insufficient to determine the role of this variant in disease. Therefore, it has been classified as a Variant of Uncertain Significance.

NM_004104.5(FASN):c.7057G>A (p.Ala2353Thr)

Gene: FASN (fatty acid synthase; minus strand). Cytogenetic location: 17q25.3.
Variant type: single nucleotide variant.
Coding change: c.7057G>A on transcript NM_004104.5 (MANE Select); coding-DNA position 7057, G replaced by A.
Protein change: p.Ala2353Thr; replaces alanine 2353 with threonine.
Molecular consequence: missense variant.
Genome position (GRCh38, 1-based): chr17:82,080,229, C>T on the plus strand (G>A on the coding strand, the complement: FASN is on the minus strand). VCF-style: chr17-82080229-C-T. GRCh37 (hg19) VCF-style: chr17-80038105-C-T.
Other names: short protein forms A2353T.
Identifiers: ClinVar variation 2756679 (VCV002756679.3), dbSNP rs2509826788, ClinGen allele CA401597636.